The following is an entry in ClinVar:

ClinVar aggregate classification (germline): Conflicting classifications of pathogenicity. Review status: criteria provided, conflicting classifications (1 of 4 stars). 5 submissions from 5 submitters: Uncertain significance (4); Likely benign (1). Last evaluated 2024-12-30.

Conditions:
Hereditary cancer-predisposing syndrome. Also called: Hereditary neoplastic syndrome; Neoplastic Syndromes, Hereditary; Tumor predisposition; Hereditary Cancer Syndrome. Identifiers: Orphanet 140162, MedGen C0027672, MeSH D009386, MONDO:0015356.
Fanconi anemia complementation group C (FANCC). Also called: FANCONI PANCYTOPENIA, TYPE 3; FACC; Fanconi anemia, group C; FANCC-Related Fanconi Anemia. Identifiers: Orphanet 84, MedGen C3468041, MONDO:0009213, OMIM 227645.
Fanconi anemia (FA). Also called: Fanconi's anemia. Identifiers: Orphanet 84, MedGen C0015625, MeSH D005199, MONDO:0019391.

Allele frequency attached by ClinVar (database versions not stated): gnomAD exomes below 0.00001.
gnomAD v4.1: 4 of 1,614,028 alleles (0.00025%); highest among the groups gnomAD compares: Non-Finnish European, 0.00034%; no homozygotes.

Submissions (5):

Ambry Genetics
Classification: Likely benign for Hereditary cancer-predisposing syndrome. Last evaluated: 2024-12-30. Review status: criteria provided, single submitter. Criteria: Ambry Variant Classification Scheme 2023. Collection method: clinical testing. Allele origin: germline.

Labcorp Genetics (formerly Invitae), Labcorp
Classification: Uncertain significance for Fanconi anemia. Last evaluated: 2024-04-05. Review status: criteria provided, single submitter. Criteria: Invitae Variant Classification Sherloc (09022015). Collection method: clinical testing. Allele origin: germline.
Comment: This sequence change replaces serine, which is neutral and polar, with leucine, which is neutral and non-polar, at codon 5 of the FANCC protein (p.Ser5Leu). This variant is not present in population databases (gnomAD no frequency). This variant has not been reported in the literature in individuals affected with FANCC-related conditions. ClinVar contains an entry for this variant (Variation ID: 1319512). Algorithms developed to predict the effect of missense changes on protein structure and function output the following: SIFT: "Not Available"; PolyPhen-2: "Benign"; Align-GVGD: "Not Available". The leucine amino acid residue is found in multiple mammalian species, which suggests that this missense change does not adversely affect protein function. In summary, the available evidence is currently insufficient to determine the role of this variant in disease. Therefore, it has been classified as a Variant of Uncertain Significance.

GeneDx
Classification: Uncertain significance. Last evaluated: 2022-06-01. Review status: criteria provided, single submitter. Criteria: GeneDx Variant Classification Process June 2021. Collection method: clinical testing. Allele origin: germline. Affected: yes.
Comment: Not observed at significant frequency in large population cohorts (gnomAD); In silico analysis supports that this missense variant does not alter protein structure/function; Has not been previously published as pathogenic or benign to our knowledge

Fulgent Genetics
Classification: Uncertain significance for Fanconi anemia complementation group C. Last evaluated: 2021-12-21. Review status: criteria provided, single submitter. Criteria: ACMG Guidelines, 2015. Collection method: clinical testing. Allele origin: unknown.

Institute for Clinical Genetics, University Hospital TU Dresden, University Hospital TU Dresden
Classification: Uncertain significance. Last evaluated: 2021-11-03. Review status: criteria provided, single submitter. Criteria: ACMG Guidelines, 2015. Collection method: clinical testing. Allele origin: germline.

NM_000136.3(FANCC):c.14C>T (p.Ser5Leu)

Gene: FANCC (FA complementation group C; minus strand). Cytogenetic location: 9q22.32.
Variant type: single nucleotide variant.
Coding change: c.14C>T on transcript NM_000136.3 (MANE Select); coding-DNA position 14, C replaced by T.
Protein change: p.Ser5Leu; replaces serine 5 with leucine.
Molecular consequence: missense variant.
Genome position (GRCh38, 1-based): chr9:95,249,278, G>A on the plus strand (C>T on the coding strand, the complement: FANCC is on the minus strand). VCF-style: chr9-95249278-G-A. GRCh37 (hg19) VCF-style: chr9-98011560-G-A.
Other names: c.14C>T, p.Ser5Leu (NM_001243743.2, NM_001243744.2); short protein forms S5L.
Identifiers: ClinVar variation 1319512 (VCV001319512.10), dbSNP rs1831182314, ClinGen allele CA374340521.